The following is an entry in ClinVar:

NM_212482.4(FN1):c.5908T>C (p.Tyr1970His)

Genes: FN1 (fibronectin 1; minus strand), LOC126806496 (CDK7 strongly-dependent group 2 enhancer GRCh37_chr2:216240057-216241256; plus strand). Cytogenetic location: 2q35.
Variant type: single nucleotide variant.
Coding change: c.5908T>C on transcript NM_212482.4 (MANE Select); coding-DNA position 5908, T replaced by C.
Protein change: p.Tyr1970His; replaces tyrosine 1970 with histidine.
Molecular consequence: missense variant.
Genome position (GRCh38, 1-based): chr2:215,375,698, A>G on the plus strand (T>C on the coding strand, the complement: FN1 is on the minus strand). VCF-style: chr2-215375698-A-G. GRCh37 (hg19) VCF-style: chr2-216240421-A-G.
Other names: c.5908T>C, p.Tyr1970His (NM_001306129.2); c.5638T>C, p.Tyr1880His (NM_001306130.2, NM_001365517.2, NM_001365519.2 and 2 more transcripts); c.5365T>C, p.Tyr1789His (NM_001306131.2, NM_001306132.2, NM_001365523.2 and 2 more transcripts); c.5635T>C, p.Tyr1879His (NM_001365518.2, NM_001365520.2, NM_001365524.2 and 2 more transcripts); short protein forms Y1789H, Y1879H, Y1880H, Y1970H.
Identifiers: ClinVar variation 3603624 (VCV003603624.2).

ClinVar aggregate classification (germline): Uncertain significance (1 of 4 stars; one submission).

gnomAD v4.1: 41 of 1,611,916 alleles (0.0025%); highest among the groups gnomAD compares: East Asian, 0.091%; 1 homozygote.

Submission:

Labcorp Genetics (formerly Invitae), Labcorp
Classification: Uncertain significance. Last evaluated: 2024-10-17. Review status: criteria provided, single submitter. Criteria: Invitae Variant Classification Sherloc (09022015). Collection method: clinical testing. Allele origin: germline.
Comment: This sequence change replaces tyrosine, which is neutral and polar, with histidine, which is basic and polar, at codon 1970 of the FN1 protein (p.Tyr1970His). This variant is present in population databases (rs750952225, gnomAD 0.03%). This variant has not been reported in the literature in individuals affected with FN1-related conditions. An algorithm developed to predict the effect of missense changes on protein structure and function (PolyPhen-2) suggests that this variant is likely to be disruptive. In summary, the available evidence is currently insufficient to determine the role of this variant in disease. Therefore, it has been classified as a Variant of Uncertain Significance.